The following is an entry in ClinVar:

ClinVar aggregate classification (germline): Pathogenic. Review status: criteria provided, multiple submitters, no conflicts (2 of 4 stars). 3 submissions from 3 submitters: Pathogenic (2). 1 of the submissions does not count toward it. Last evaluated 2021-09-05.

Conditions:
Spastic paraplegia. Identifiers: MedGen C0037772, HP:0001258.
Charlevoix-Saguenay spastic ataxia (SACS). Also called: SPASTIC ATAXIA 6, AUTOSOMAL RECESSIVE; Spastic ataxia of Charlevoix-Saguenay; AUTOSOMAL RECESSIVE SPASTIC ATAXIA OF CHARLEVOIX-SAGUENAY. Identifiers: Orphanet 98, MedGen C1849140, MONDO:0010041, OMIM 270550.

Submissions (3):

Genome-Nilou Lab
Classification: Pathogenic for Charlevoix-Saguenay spastic ataxia. Last evaluated: 2021-09-05. Review status: criteria provided, single submitter. Criteria: ACMG Guidelines, 2015. Collection method: clinical testing. Allele origin: germline. Affected: no.

Labcorp Genetics (formerly Invitae), Labcorp
Classification: Pathogenic for Spastic paraplegia. Last evaluated: 2019-11-09. Review status: criteria provided, single submitter. Criteria: Invitae Variant Classification Sherloc (09022015). Collection method: clinical testing. Allele origin: germline.
Comment: For these reasons, this variant has been classified as Pathogenic. This variant disrupts the C-terminus of the SACS protein. Other variant(s) that disrupt this region (p.Leu4303*, p.Glu4309*, p.Arg4325*, and p.Phe4352Leufs*11) have been determined to be pathogenic and/or reported in individuals affected with autosomal recessive spastic ataxia of Charlevoix-Saguenay (PMID: 23497566, 26288984, 16944349, Invitae). This suggests that variants that disrupt this region of the protein are likely to be causative of disease. This variant has not been reported in the literature in individuals with SACS-related conditions. ClinVar contains an entry for this variant (Variation ID: 553524). This variant is not present in population databases (ExAC no frequency). This sequence change results in a premature translational stop signal in the SACS gene (p.Gln4208*). While this is not anticipated to result in nonsense mediated decay, it is expected to disrupt the last 372 amino acids of the SACS protein.

Counsyl
Classification: Likely pathogenic for Charlevoix-Saguenay spastic ataxia. Last evaluated: 2017-08-22. Review status: no assertion criteria provided. Collection method: clinical testing. Allele origin: unknown. Not counted in ClinVar's aggregate classification.

Literature cited by the submitters: PubMed 23497566 (cited by Labcorp Genetics (formerly Invitae), Labcorp); PubMed 26288984 (cited by Labcorp Genetics (formerly Invitae), Labcorp); PubMed 16944349 (cited by Labcorp Genetics (formerly Invitae), Labcorp).

NM_014363.6(SACS):c.12622C>T (p.Gln4208Ter)

Gene: SACS (sacsin molecular chaperone; minus strand). Cytogenetic location: 13q12.12.
Variant type: single nucleotide variant.
Coding change: c.12622C>T on transcript NM_014363.6 (MANE Select); coding-DNA position 12622, C replaced by T.
Protein change: p.Gln4208Ter; replaces glutamine 4208 with a stop codon.
Molecular consequence: nonsense.
Genome position (GRCh38, 1-based): chr13:23,331,254, G>A on the plus strand (C>T on the coding strand, the complement: SACS is on the minus strand). VCF-style: chr13-23331254-G-A. GRCh37 (hg19) VCF-style: chr13-23905393-G-A.
Other names: c.12181C>T, p.Gln4061Ter (NM_001278055.2); short protein forms Q4208*, Q4061*.
Identifiers: ClinVar variation 553524 (VCV000553524.13), dbSNP rs1555249555, ClinGen allele CA387507336.